The following is an entry in ClinVar:

NM_022089.4(ATP13A2):c.217dup (p.Val73fs)

Gene: ATP13A2 (ATPase cation transporting 13A2; minus strand). Cytogenetic location: 1p36.13.
Variant type: Duplication.
Coding change: c.217dup on transcript NM_022089.4 (MANE Select); coding-DNA position 217, one base duplicated (G; older notation c.217dupG).
Protein change: p.Val73fs; shifts the reading frame from valine 73.
Molecular consequence: frameshift variant.
Genome position (GRCh38, 1-based): chr1:17,005,445, C duplicated on the plus strand (G on the coding strand, the reverse complement: ATP13A2 is on the minus strand); the first of 6 consecutive C bases (chr1:17,005,445-17,005,450); duplicating any one gives the same sequence. VCF-style (leftmost placement, unchanged base first): chr1-17005444-A-AC. GRCh37 (hg19) VCF-style: chr1-17331939-A-AC.
Other names: c.217dup, p.Val73fs (NM_001141973.3, NM_001141974.3); short protein forms V73fs.
Identifiers: ClinVar variation 2151865 (VCV002151865.4), dbSNP rs1389678247, ClinGen allele CA521449971.

ClinVar aggregate classification (germline): Pathogenic (1 of 4 stars; one submission).

Conditions:
Autosomal recessive spastic paraplegia type 78. Identifiers: Orphanet 513436, MedGen C5567893, MONDO:0014975, OMIM 617225.
Kufor-Rakeb syndrome (KRS). Also called: PARKINSON DISEASE 9, AUTOSOMAL RECESSIVE, JUVENILE-ONSET. Identifiers: Orphanet 306674, Orphanet 314632, MedGen C1847640, MONDO:0011706, OMIM 606693.

Submission:

Labcorp Genetics (formerly Invitae), Labcorp
Classification: Pathogenic for Kufor-Rakeb syndrome; Autosomal recessive spastic paraplegia type 78. Last evaluated: 2023-11-27. Review status: criteria provided, single submitter. Criteria: Invitae Variant Classification Sherloc (09022015). Collection method: clinical testing. Allele origin: germline.
Comment: This sequence change creates a premature translational stop signal (p.Val73Glyfs*26) in the ATP13A2 gene. It is expected to result in an absent or disrupted protein product. Loss-of-function variants in ATP13A2 are known to be pathogenic (PMID: 16964263, 21696388). This variant is not present in population databases (gnomAD no frequency). This premature translational stop signal has been observed in individual(s) with Kufor-Rakeb syndrome (PMID: 29966207). ClinVar contains an entry for this variant (Variation ID: 2151865). For these reasons, this variant has been classified as Pathogenic.

Literature cited by the submitters: PubMed 16964263; PubMed 21696388; PubMed 29966207.